The following is an entry in ClinVar:

NM_000077.5(CDKN2A):c.458-29A>T

Gene: CDKN2A (cyclin dependent kinase inhibitor 2A; minus strand). Cytogenetic location: 9p21.3.
Variant type: single nucleotide variant.
Coding change: c.458-29A>T on transcript NM_000077.5 (MANE Select); 29 bases into the intron before coding-DNA position 458, A replaced by T.
Molecular consequence: intron variant.
Genome position (GRCh38, 1-based): chr9:21,968,271, T>A on the plus strand (A>T on the coding strand, the complement: CDKN2A is on the minus strand). VCF-style: chr9-21968271-T-A. GRCh37 (hg19) VCF-style: chr9-21968270-T-A.
Other names: c.305-29A>T (NM_001363763.2); c.*102-29A>T (NM_058195.4); c.*151-29A>T (NM_001195132.2); c.*381-29A>T (NM_058197.5).
Identifiers: ClinVar variation 4294137 (VCV004294137.1).

ClinVar aggregate classification (germline): Benign (1 of 4 stars; one submission).

Conditions:
Melanoma-pancreatic cancer syndrome. Identifiers: Orphanet 404560, MedGen C1838547, MONDO:0011713, OMIM 606719. Disease mechanism: loss of function.

gnomAD v4.1: 12 of 1,613,480 alleles (0.00074%); highest among the groups gnomAD compares: Non-Finnish European, 0.001%; no homozygotes.

Submission:

Myriad Genetics, Inc.
Classification: Benign for Melanoma-pancreatic cancer syndrome. Last evaluated: 2025-08-18. Review status: criteria provided, single submitter. Criteria: Myriad Autosomal Dominant, Autosomal Recessive and X-Linked Classification Criteria (2023). Collection method: clinical testing. Allele origin: unknown.
Comment: This variant is considered benign. This variant is intronic and is not expected to impact mRNA splicing.